The following is an entry in ClinVar:

NM_004826.4(ECEL1):c.1184G>A (p.Arg395Gln)

Gene: ECEL1 (endothelin converting enzyme like 1; minus strand). Cytogenetic location: 2q37.1.
Variant type: single nucleotide variant.
Coding change: c.1184G>A on transcript NM_004826.4 (MANE Select); coding-DNA position 1184, G replaced by A.
Protein change: p.Arg395Gln; replaces arginine 395 with glutamine.
Molecular consequence: missense variant.
Genome position (GRCh38, 1-based): chr2:232,484,472, C>T on the plus strand (G>A on the coding strand, the complement: ECEL1 is on the minus strand). VCF-style: chr2-232484472-C-T. GRCh37 (hg19) VCF-style: chr2-233349182-C-T.
Other names: c.1184G>A, p.Arg395Gln (NM_001290787.2); short protein forms R395Q.
Identifiers: ClinVar variation 235819 (VCV000235819.2), dbSNP rs765430577, ClinGen allele CA10581434.

ClinVar aggregate classification (germline): Pathogenic/Likely pathogenic. Review status: criteria provided, multiple submitters, no conflicts (2 of 4 stars). 2 submissions from 2 submitters: Pathogenic (1); Likely pathogenic (1). Last evaluated 2024-10-18.

Conditions:
Distal arthrogryposis type 5D (DA5D). Identifiers: Orphanet 329457, MedGen C3554415, MONDO:0014028, OMIM 615065.

Allele frequency attached by ClinVar (database versions not stated): TOPMed below 0.00001.

Submissions (2):

Women's Health and Genetics/Laboratory Corporation of America, LabCorp
Classification: Likely pathogenic for Distal arthrogryposis type 5D. Last evaluated: 2024-10-18. Review status: criteria provided, single submitter. Criteria: LabCorp Variant Classification Summary - May 2015. Collection method: clinical testing. Allele origin: germline.
Comment: Variant summary: ECEL1 c.1184G>A (p.Arg395Gln) results in a conservative amino acid change located in the Peptidase M13, N-terminal domain (IPR008753) of the encoded protein sequence. Four of five in-silico tools predict a benign effect of the variant on protein function. Several computational tools predict a significant impact on normal splicing: Two predict the variant abolishes a 5' splicing donor site. Two predict the variant significantly weakens a 5' donor site. However, these predictions have yet to be confirmed by functional studies. The variant was absent in 251240 control chromosomes. c.1184G>A has been reported in the literature in two unrelated homozygous individuals affected with Distal Arthrogryposis Type 5D/arthrogryposis multiplex congenita (McMillin2013, Laquerriere_2022). These data indicate that the variant is likely to be associated with disease. To our knowledge, no experimental evidence demonstrating an impact on protein function has been reported. The following publications have been ascertained in the context of this evaluation (PMID: 38568023, 33820833, 23261301). ClinVar contains an entry for this variant (Variation ID: 235819). Based on the evidence outlined above, the variant was classified as likely pathogenic.

University of Washington Center for Mendelian Genomics, University of Washington
Classification: Pathogenic for Distal arthrogryposis type 5D. Last evaluated: 2013-01-08. Review status: criteria provided, single submitter. Criteria: Submitter's publication. Collection method: research. Allele origin: inherited. Affected: yes.

Literature cited by the submitters: PubMed 23261301 (cited by Women's Health and Genetics/Laboratory Corporation of America, LabCorp); PubMed 33820833 (cited by Women's Health and Genetics/Laboratory Corporation of America, LabCorp); PubMed 38568023 (cited by Women's Health and Genetics/Laboratory Corporation of America, LabCorp).